The following is an entry in ClinVar:

NM_021830.5(TWNK):c.1515C>G (p.Val505=)

Gene: TWNK (twinkle mtDNA helicase; plus strand). Cytogenetic location: 10q24.31.
Variant type: single nucleotide variant.
Coding change: c.1515C>G on transcript NM_021830.5 (MANE Select); coding-DNA position 1515, C replaced by G.
Protein change: p.Val505=; no amino-acid change (valine 505 retained).
Molecular consequence: synonymous variant. On other transcripts: non-coding transcript variant (5).
Genome position (GRCh38, 1-based): chr10:100,990,466, C>G. VCF-style: chr10-100990466-C-G. GRCh37 (hg19) VCF-style: chr10-102750223-C-G.
Other names: c.1515C>G, p.Val505= (NM_001163812.2); c.153C>G, p.Val51= (NM_001163813.2, NM_001163814.2, NM_001368275.1); c.1515C>G (NM_021830.4).
Identifiers: ClinVar variation 1947515 (VCV001947515.24), dbSNP rs374802778, ClinGen allele CA5653260.

ClinVar aggregate classification (germline): Likely benign. Review status: criteria provided, multiple submitters, no conflicts (2 of 4 stars). 3 submissions from 3 submitters: Likely benign (3). Last evaluated 2024-10-30.

Conditions:
TWNK-related disorder. Also called: TWNK-related condition.

Allele frequency attached by ClinVar (database versions not stated): ExAC 0.00002; gnomAD 0.00002; gnomAD exomes 0.00002; TOPMed 0.00002; ESP Exome Variant Server 0.00015.
gnomAD v4.1: 40 of 1,613,988 alleles (0.0025%); highest among the groups gnomAD compares: Non-Finnish European, 0.0031%; no homozygotes.

Submissions (3):

PreventionGenetics, part of Exact Sciences
Classification: Likely benign for TWNK-related condition. Last evaluated: 2024-10-30. Review status: criteria provided, single submitter. Criteria: ACMG Guidelines, 2015. Collection method: clinical testing. Allele origin: germline.
Comment: This variant is classified as likely benign based on ACMG/AMP sequence variant interpretation guidelines (Richards et al. 2015 PMID: 25741868, with internal and published modifications).

CeGaT Center for Human Genetics Tuebingen
Classification: Likely benign. Last evaluated: 2024-06-01. Review status: criteria provided, single submitter. Criteria: CeGaT Center For Human Genetics Tuebingen Variant Classification Criteria Version 2. Collection method: clinical testing. Allele origin: germline. Affected: yes. Observed: 1 variant allele.
Comment: TWNK: BP4, BP7

Labcorp Genetics (formerly Invitae), Labcorp
Classification: Likely benign. Last evaluated: 2022-07-19. Review status: criteria provided, single submitter. Criteria: Invitae Variant Classification Sherloc (09022015). Collection method: clinical testing. Allele origin: germline.